The following is an entry in ClinVar:

ClinVar aggregate classification (germline): Conflicting classifications of pathogenicity. Review status: criteria provided, conflicting classifications (1 of 4 stars). 2 submissions from 2 submitters: Uncertain significance (1); Likely benign (1). Last evaluated 2024-02-06.

Conditions:
Intellectual developmental disorder, X-linked, syndromic 14. Also called: Syndromic X-linked intellectual disability 14. Identifiers: Orphanet 776, MedGen C1970822, MONDO:0010398, OMIM 300676.
Inborn genetic diseases. Identifiers: MedGen C0950123, MeSH D030342.

Allele frequency attached by ClinVar (database versions not stated): gnomAD exomes 0.00001; ESP Exome Variant Server 0.00009.
gnomAD v4.1: 6 of 1,208,855 alleles (0.0005%); highest among the groups gnomAD compares: African/African-American, 0.0035%; no homozygotes.

Submissions (2):

Ambry Genetics
Classification: Likely benign for Inborn genetic diseases. Last evaluated: 2024-02-06. Review status: criteria provided, single submitter. Criteria: Ambry Variant Classification Scheme 2023. Collection method: clinical testing. Allele origin: germline.

Labcorp Genetics (formerly Invitae), Labcorp
Classification: Uncertain significance for Intellectual developmental disorder, X-linked, syndromic 14. Last evaluated: 2023-10-23. Review status: criteria provided, single submitter. Criteria: Invitae Variant Classification Sherloc (09022015). Collection method: clinical testing. Allele origin: germline.
Comment: This sequence change replaces glycine, which is neutral and non-polar, with serine, which is neutral and polar, at codon 342 of the UPF3B protein (p.Gly342Ser). The frequency data for this variant in the population databases is considered unreliable, as metrics indicate poor data quality at this position in the gnomAD database. This variant has not been reported in the literature in individuals affected with UPF3B-related conditions. Advanced modeling of protein sequence and biophysical properties (such as structural, functional, and spatial information, amino acid conservation, physicochemical variation, residue mobility, and thermodynamic stability) performed at Invitae indicates that this missense variant is not expected to disrupt UPF3B protein function with a negative predictive value of 80%. In summary, the available evidence is currently insufficient to determine the role of this variant in disease. Therefore, it has been classified as a Variant of Uncertain Significance.

NM_080632.3(UPF3B):c.1024G>A (p.Gly342Ser)

Gene: UPF3B (UPF3B regulator of nonsense mediated mRNA decay; minus strand). Cytogenetic location: Xq24.
Variant type: single nucleotide variant.
Coding change: c.1024G>A on transcript NM_080632.3 (MANE Select); coding-DNA position 1024, G replaced by A.
Protein change: p.Gly342Ser; replaces glycine 342 with serine.
Molecular consequence: missense variant.
Genome position (GRCh38, 1-based): chrX:119,838,035, C>T on the plus strand (G>A on the coding strand, the complement: UPF3B is on the minus strand). VCF-style: chrX-119838035-C-T. GRCh37 (hg19) VCF-style: chrX-118971998-C-T.
Other names: c.985G>A, p.Gly329Ser (NM_023010.4); c.1024G>A (NM_080632.2); short protein forms G342S, G329S.
Identifiers: ClinVar variation 3020225 (VCV003020225.4), dbSNP rs372808214, ClinGen allele CA414183554.